The following is an entry in ClinVar:

NM_020693.4(DSCAML1):c.5180-10G>A

Gene: DSCAML1 (DS cell adhesion molecule like 1; minus strand). Cytogenetic location: 11q23.3.
Variant type: single nucleotide variant.
Coding change: c.5180-10G>A on transcript NM_020693.4 (MANE Select); 10 bases into the intron before coding-DNA position 5180, G replaced by A.
Molecular consequence: intron variant.
Genome position (GRCh38, 1-based): chr11:117,431,738, C>T on the plus strand (G>A on the coding strand, the complement: DSCAML1 is on the minus strand). VCF-style: chr11-117431738-C-T. GRCh37 (hg19) VCF-style: chr11-117302454-C-T.
Identifiers: ClinVar variation 712728 (VCV000712728.11), dbSNP rs145162281, ClinGen allele CA6296132.

ClinVar aggregate classification (germline): Benign. Review status: criteria provided, single submitter (1 of 4 stars). 2 submissions from 2 submitters: Benign (1). 1 of the submissions does not count toward it. Last evaluated 2026-01-17.

Conditions:
DSCAML1-related disorder. Also called: DSCAML1-related condition.

Allele frequency attached by ClinVar (database versions not stated): gnomAD exomes 0.00209; ExAC 0.00238; 1000 Genomes Project 0.00659; gnomAD 0.00711 and 0.00781; 1000 Genomes Project 30x 0.00734; TOPMed 0.00812; ESP Exome Variant Server 0.00885.
gnomAD v4.1: 2,065 of 1,520,246 alleles (0.14%); highest among the groups gnomAD compares: African/African-American, 2.6%; 34 homozygotes.

Submissions (2):

Labcorp Genetics (formerly Invitae), Labcorp
Classification: Benign. Last evaluated: 2026-01-17. Review status: criteria provided, single submitter. Criteria: Invitae Variant Classification Sherloc (09022015). Collection method: clinical testing. Allele origin: germline.

PreventionGenetics, part of Exact Sciences
Classification: Benign for DSCAML1-related condition. Last evaluated: 2019-03-06. Review status: no assertion criteria provided. Collection method: clinical testing. Allele origin: germline. Not counted in ClinVar's aggregate classification.
Comment: This variant is classified as benign based on ACMG/AMP sequence variant interpretation guidelines (Richards et al. 2015 PMID: 25741868, with internal and published modifications).